The following is an entry in ClinVar:

NM_014140.4(SMARCAL1):c.2333C>A (p.Ala778Asp)

Gene: SMARCAL1 (SNF2 related chromatin remodeling annealing helicase 1; plus strand). Cytogenetic location: 2q35.
Variant type: single nucleotide variant.
Coding change: c.2333C>A on transcript NM_014140.4 (MANE Select); coding-DNA position 2333, C replaced by A.
Protein change: p.Ala778Asp; replaces alanine 778 with aspartic acid.
Molecular consequence: missense variant.
Genome position (GRCh38, 1-based): chr2:216,475,357, C>A. VCF-style: chr2-216475357-C-A. GRCh37 (hg19) VCF-style: chr2-217340080-C-A.
Other names: c.2333C>A, p.Ala778Asp (NM_001127207.2); short protein forms A778D.
Identifiers: ClinVar variation 2151397 (VCV002151397.3), dbSNP rs770954000, ClinGen allele CA2098178.

ClinVar aggregate classification (germline): Uncertain significance (1 of 4 stars; one submission).

Conditions:
Schimke immuno-osseous dysplasia (SIOD). Also called: Schimke Immunoosseous Dysplasia. Identifiers: Orphanet 1830, MedGen C0877024, MONDO:0009458, OMIM 242900.

Allele frequency attached by ClinVar (database versions not stated): ExAC 0.00001; TOPMed 0.00001.
gnomAD v4.1: 8 of 1,614,232 alleles (0.0005%); highest among the groups gnomAD compares: South Asian, 0.0011%; no homozygotes.

Submission:

Labcorp Genetics (formerly Invitae), Labcorp
Classification: Uncertain significance for Schimke immuno-osseous dysplasia. Last evaluated: 2024-07-08. Review status: criteria provided, single submitter. Criteria: Invitae Variant Classification Sherloc (09022015). Collection method: clinical testing. Allele origin: germline.
Comment: This sequence change replaces alanine, which is neutral and non-polar, with aspartic acid, which is acidic and polar, at codon 778 of the SMARCAL1 protein (p.Ala778Asp). This variant is present in population databases (rs770954000, gnomAD 0.002%). This variant has not been reported in the literature in individuals affected with SMARCAL1-related conditions. ClinVar contains an entry for this variant (Variation ID: 2151397). Advanced modeling of protein sequence and biophysical properties (such as structural, functional, and spatial information, amino acid conservation, physicochemical variation, residue mobility, and thermodynamic stability) performed at Invitae indicates that this missense variant is not expected to disrupt SMARCAL1 protein function with a negative predictive value of 80%. In summary, the available evidence is currently insufficient to determine the role of this variant in disease. Therefore, it has been classified as a Variant of Uncertain Significance.